The following is an entry in ClinVar:

ClinVar aggregate classification (germline): Uncertain significance. Review status: criteria provided, multiple submitters, no conflicts (2 of 4 stars). 2 submissions from 2 submitters: Uncertain significance (2). Last evaluated 2025-12-11.

gnomAD v4.1: 52 of 1,613,204 alleles (0.0032%); highest among the groups gnomAD compares: Middle Eastern, 0.017%; no homozygotes.

Submissions (2):

Ambry Genetics
Classification: Uncertain significance. Last evaluated: 2025-12-11. Review status: criteria provided, single submitter. Criteria: Ambry Variant Classification Scheme 2023. Collection method: clinical testing. Allele origin: germline.

Labcorp Genetics (formerly Invitae), Labcorp
Classification: Uncertain significance. Last evaluated: 2025-10-06. Review status: criteria provided, single submitter. Criteria: Invitae Variant Classification Sherloc (09022015). Collection method: clinical testing. Allele origin: germline.
Comment: This sequence change replaces proline, which is neutral and non-polar, with arginine, which is basic and polar, at codon 423 of the LSR protein (p.Pro423Arg). This variant is present in population databases (no rsID available, gnomAD 0.007%). This variant has not been reported in the literature in individuals affected with LSR-related conditions. ClinVar contains an entry for this variant (Variation ID: 2981696). An algorithm developed to predict the effect of missense changes on protein structure and function (PolyPhen-2) suggests that this variant is likely to be disruptive. In summary, the available evidence is currently insufficient to determine the role of this variant in disease. Therefore, it has been classified as a Variant of Uncertain Significance.

NM_205834.4(LSR):c.1124C>G (p.Pro375Arg)

Gene: LSR (lipolysis stimulated lipoprotein receptor; plus strand). Cytogenetic location: 19q13.12.
Variant type: single nucleotide variant.
Coding change: c.1124C>G on transcript NM_205834.4 (MANE Select); coding-DNA position 1124, C replaced by G.
Protein change: p.Pro375Arg; replaces proline 375 with arginine.
Molecular consequence: missense variant.
Genome position (GRCh38, 1-based): chr19:35,266,947, C>G. VCF-style: chr19-35266947-C-G. GRCh37 (hg19) VCF-style: chr19-35757850-C-G.
Other names: c.1268C>G (NM_205834.2); c.1064C>G, p.Pro355Arg (NM_001260489.2); c.800C>G, p.Pro267Arg (NM_001260490.2); c.917C>G, p.Pro306Arg (NM_001385215.1); c.1067C>G, p.Pro356Arg (NM_015925.7); c.920C>G, p.Pro307Arg (NM_205835.4); short protein forms P356R, P375R, P307R, P306R, P355R, P267R.
Identifiers: ClinVar variation 2981696 (VCV002981696.4), dbSNP rs764830985, ClinGen allele CA307721460.